The following is an entry in ClinVar:

ClinVar aggregate classification (germline): Uncertain significance (1 of 4 stars; one submission).

Conditions:
Myopathy, proximal, and ophthalmoplegia (CMYO6). Also called: MYOPATHY WITH CONGENITAL JOINT CONTRACTURES, OPHTHALMOPLEGIA, AND RIMMED VACUOLES; INCLUSION BODY MYOPATHY 3, AUTOSOMAL DOMINANT; CONGENITAL MYOPATHY 6 WITH OPHTHALMOPLEGIA. Identifiers: Orphanet 363677, Orphanet 79091, MedGen C1854106, MONDO:0011577, OMIM 605637.

Submission:

Labcorp Genetics (formerly Invitae), Labcorp
Classification: Uncertain significance for Myopathy, proximal, and ophthalmoplegia. Last evaluated: 2025-12-14. Review status: criteria provided, single submitter. Criteria: Invitae Variant Classification Sherloc (09022015). Collection method: clinical testing. Allele origin: germline.
Comment: This variant, c.901_903del, results in the deletion of 1 amino acid(s) of the MYH2 protein (p.Ile301del), but otherwise preserves the integrity of the reading frame. This variant is not present in population databases (gnomAD no frequency). This variant has not been reported in the literature in individuals affected with MYH2-related conditions. Experimental studies and prediction algorithms are not available or were not evaluated, and the functional significance of this variant is currently unknown. In summary, the available evidence is currently insufficient to determine the role of this variant in disease. Therefore, it has been classified as a Variant of Uncertain Significance.

NM_017534.6(MYH2):c.901_903del (p.Ile301del)

Genes: MYHAS (myosin heavy chain gene cluster antisense RNA; plus strand), MYH2 (myosin heavy chain 2; minus strand). Cytogenetic location: 17p13.1.
Variant type: Deletion.
Coding change: c.901_903del on transcript NM_017534.6 (MANE Select); coding-DNA positions 901 to 903, 3 bases deleted (ATT; older notation c.901_903delATT).
Protein change: p.Ile301del; deletes isoleucine 301.
Molecular consequence: inframe deletion.
Genome position (GRCh38, 1-based): chr17:10,542,876-10,542,878, AAT deleted on the plus strand (ATT on the coding strand, the reverse complement: MYH2 is on the minus strand); deleting any 3 consecutive bases within chr17:10,542,876-10,542,880 gives the same sequence; the c. name uses the placement nearest the transcript's 3' end. VCF-style (leftmost placement, unchanged base first): chr17-10542875-CAAT-C. GRCh37 (hg19) VCF-style: chr17-10446192-CAAT-C.
Other names: c.901_903del, p.Ile301del (NM_001100112.2); short protein forms I301del.
Identifiers: ClinVar variation 4737924 (VCV004737924.1).
Genomic context (GRCh38, chr17:10,542,875, plus strand): 5'-GACTGTGCATTGATAGGTACTGATGCAGTAATTCTGGAAAAGAATTATGACATTTCTTAC[CAAT>C]AAGTTCTGGTTTCTTATTCGATGTAATCTGGTAAAAAATATGATAACTTCTCTCAGCCTT-3'